The following is an entry in ClinVar:

ClinVar aggregate classification (germline): Uncertain significance (1 of 4 stars; one submission).

Submission:

Labcorp Genetics (formerly Invitae), Labcorp
Classification: Uncertain significance. Last evaluated: 2023-07-10. Review status: criteria provided, single submitter. Criteria: Invitae Variant Classification Sherloc (09022015). Collection method: clinical testing. Allele origin: germline.
Comment: This variant is not present in population databases (gnomAD no frequency). This sequence change replaces asparagine, which is neutral and polar, with isoleucine, which is neutral and non-polar, at codon 1875 of the USH2A protein (p.Asn1875Ile). This missense change has been observed in individual(s) with retinitis pigmentosa (Invitae). In summary, the available evidence is currently insufficient to determine the role of this variant in disease. Therefore, it has been classified as a Variant of Uncertain Significance. Advanced modeling of protein sequence and biophysical properties (such as structural, functional, and spatial information, amino acid conservation, physicochemical variation, residue mobility, and thermodynamic stability) has been performed at Invitae for this missense variant, however the output from this modeling did not meet the statistical confidence thresholds required to predict the impact of this variant on USH2A protein function. ClinVar contains an entry for this variant (Variation ID: 2001528).

NM_206933.4(USH2A):c.5624A>T (p.Asn1875Ile)

Genes: USH2A (usherin; minus strand), USH2A-AS2 (USH2A antisense RNA 2; plus strand). Cytogenetic location: 1q41.
Variant type: single nucleotide variant.
Coding change: c.5624A>T on transcript NM_206933.4 (MANE Select); coding-DNA position 5624, A replaced by T.
Protein change: p.Asn1875Ile; replaces asparagine 1875 with isoleucine.
Molecular consequence: missense variant.
Genome position (GRCh38, 1-based): chr1:216,073,249, T>A on the plus strand (A>T on the coding strand, the complement: USH2A is on the minus strand). VCF-style: chr1-216073249-T-A. GRCh37 (hg19) VCF-style: chr1-216246591-T-A.
Other names: short protein forms N1875I.
Identifiers: ClinVar variation 2001528 (VCV002001528.4), dbSNP rs141609561, ClinGen allele CA344854774.